The following is an entry in ClinVar:

NM_016222.4(DDX41):c.46G>C (p.Val16Leu)

Gene: DDX41 (DEAD-box helicase 41; minus strand). Cytogenetic location: 5q35.3.
Variant type: single nucleotide variant.
Coding change: c.46G>C on transcript NM_016222.4 (MANE Select); coding-DNA position 46, G replaced by C.
Protein change: p.Val16Leu; replaces valine 16 with leucine.
Molecular consequence: missense variant. On other transcripts: 5 prime UTR variant (2).
Genome position (GRCh38, 1-based): chr5:177,516,817, C>G on the plus strand (G>C on the coding strand, the complement: DDX41 is on the minus strand). VCF-style: chr5-177516817-C-G. GRCh37 (hg19) VCF-style: chr5-176943818-C-G.
Other names: c.-610G>C (NM_001321732.2); c.-402G>C (NM_001321830.2); short protein forms V16L.
Identifiers: ClinVar variation 4617199 (VCV004617199.1).

ClinVar aggregate classification (germline): Uncertain significance (1 of 4 stars; one submission).

Conditions:
Inborn genetic diseases. Identifiers: MedGen C0950123, MeSH D030342.

Submission:

Ambry Genetics
Classification: Uncertain significance for Inborn genetic diseases. Last evaluated: 2025-11-17. Review status: criteria provided, single submitter. Criteria: Ambry Variant Classification Scheme 2023. Collection method: clinical testing. Allele origin: germline.
Comment: The p.V16L variant (also known as c.46G>C), located in coding exon 2 of the DDX41 gene, results from a G to C substitution at nucleotide position 46. The valine at codon 16 is replaced by leucine, an amino acid with highly similar properties. This amino acid position is conserved. In addition, this alteration is predicted to be tolerated by in silico analysis. Based on the available evidence, the clinical significance of this variant remains unclear.